The following is an entry in ClinVar:

NM_005585.5(SMAD6):c.641G>A (p.Arg214His)

Gene: SMAD6 (SMAD family member 6; plus strand). Cytogenetic location: 15q22.31.
Variant type: single nucleotide variant.
Coding change: c.641G>A on transcript NM_005585.5 (MANE Select); coding-DNA position 641, G replaced by A.
Protein change: p.Arg214His; replaces arginine 214 with histidine.
Molecular consequence: missense variant. On other transcripts: non-coding transcript variant (1).
Genome position (GRCh38, 1-based): chr15:66,703,899, G>A. VCF-style: chr15-66703899-G-A. GRCh37 (hg19) VCF-style: chr15-66996237-G-A.
Other names: short protein forms R214H.
Identifiers: ClinVar variation 1753426 (VCV001753426.9), dbSNP rs1443196422, ClinGen allele CA392949953.

ClinVar aggregate classification (germline): Uncertain significance. Review status: criteria provided, multiple submitters, no conflicts (2 of 4 stars). 2 submissions from 2 submitters: Uncertain significance (2). Last evaluated 2025-10-02.

Conditions:
Aortic valve disease 2 (AOVD2). Identifiers: MedGen C3542024, MONDO:0013902, OMIM 614823.
Inborn genetic diseases. Identifiers: MedGen C0950123, MeSH D030342.

Allele frequency attached by ClinVar (database versions not stated): gnomAD 0.00001; gnomAD exomes 0.00001; TOPMed 0.00001.
gnomAD v4.1: 9 of 1,289,878 alleles (0.0007%); highest among the groups gnomAD compares: Non-Finnish European, 0.00088%; no homozygotes.

Submissions (2):

Ambry Genetics
Classification: Uncertain significance for Inborn genetic diseases. Last evaluated: 2025-10-02. Review status: criteria provided, single submitter. Criteria: Ambry Variant Classification Scheme 2023. Collection method: clinical testing. Allele origin: germline.

Labcorp Genetics (formerly Invitae), Labcorp
Classification: Uncertain significance for Aortic valve disease 2. Last evaluated: 2025-02-23. Review status: criteria provided, single submitter. Criteria: Invitae Variant Classification Sherloc (09022015). Collection method: clinical testing. Allele origin: germline.
Comment: This sequence change replaces arginine, which is basic and polar, with histidine, which is basic and polar, at codon 214 of the SMAD6 protein (p.Arg214His). This variant is not present in population databases (gnomAD no frequency). This variant has not been reported in the literature in individuals affected with SMAD6-related conditions. ClinVar contains an entry for this variant (Variation ID: 1753426). Invitae Evidence Modeling of protein sequence and biophysical properties (such as structural, functional, and spatial information, amino acid conservation, physicochemical variation, residue mobility, and thermodynamic stability) indicates that this missense variant is not expected to disrupt SMAD6 protein function with a negative predictive value of 80%. In summary, the available evidence is currently insufficient to determine the role of this variant in disease. Therefore, it has been classified as a Variant of Uncertain Significance.